The following is an entry in ClinVar:

NM_001127644.2(GABRA1):c.859G>A (p.Val287Ile)

Gene: GABRA1 (gamma-aminobutyric acid type A receptor subunit alpha1; plus strand). Cytogenetic location: 5q34.
Variant type: single nucleotide variant.
Coding change: c.859G>A on transcript NM_001127644.2 (MANE Select); coding-DNA position 859, G replaced by A.
Protein change: p.Val287Ile; replaces valine 287 with isoleucine.
Molecular consequence: missense variant.
Genome position (GRCh38, 1-based): chr5:161,895,668, G>A. VCF-style: chr5-161895668-G-A. GRCh37 (hg19) VCF-style: chr5-161322674-G-A.
Other names: p.V287I:GTA>ATA; c.859G>A, p.Val287Ile (NM_000806.5, NM_001127643.2, NM_001127645.2 and 1 more transcripts); short protein forms V287I.
Identifiers: ClinVar variation 205522 (VCV000205522.7), dbSNP rs796052493, ClinGen allele CA314674.
Genomic context (GRCh38, chr5:161,895,668, plus strand): 5'-CATGATGAAATTTCACAGTATGAACTGGCATCATGTATGTTTTTTTTTTTCTTTACAGGA[G>A]TAACAACTGTGCTCACCATGACAACATTGAGCATCAGTGCCAGAAACTCCCTCCCTAAGG-3'
Protein context (NP_001121116.1, residues 277-297): ESVPARTVFG[Val287Ile]TTVLTMTTLS

ClinVar aggregate classification (germline): Conflicting classifications of pathogenicity. Review status: criteria provided, conflicting classifications (1 of 4 stars). 2 submissions from 2 submitters: Likely pathogenic (1); Uncertain significance (1). Last evaluated 2021-08-20.

Conditions:
Epilepsy, idiopathic generalized, susceptibility to, 13. Also called: EPILEPSY, JUVENILE MYOCLONIC, SUSCEPTIBILITY TO, 5. Identifiers: Orphanet 307, Orphanet 64280, MedGen C4013473, MONDO:0012627, OMIM 611136.
Idiopathic generalized epilepsy. Also called: EIG; Generalised epilepsy. Identifiers: MedGen C0270850, MONDO:0005579, OMIM 600669.
Epilepsy, childhood absence 4 (ECA4). Also called: EPILEPSY, CHILDHOOD ABSENCE, SUSCEPTIBILITY TO, 4. Identifiers: Orphanet 307, MedGen C1970160.

Submissions (2):

Labcorp Genetics (formerly Invitae), Labcorp
Classification: Uncertain significance for Epilepsy, childhood absence 4; Epilepsy, idiopathic generalized, susceptibility to, 13; Idiopathic generalized epilepsy. Last evaluated: 2021-08-20. Review status: criteria provided, single submitter. Criteria: Invitae Variant Classification Sherloc (09022015). Collection method: clinical testing. Allele origin: germline.

GeneDx
Classification: Likely pathogenic. Last evaluated: 2016-11-04. Review status: criteria provided, single submitter. Criteria: GeneDx Variant Classification (06012015). Collection method: clinical testing. Allele origin: germline. Affected: yes.
Comment: p.Val287Ile (GTA>ATA): c.859 G>A in exon 10 of the GABRA1 gene (NM_000806.5). The Val287Ile missense change in the GABRA1 gene has not been published as a mutation, nor has it been reported as a benign polymorphism to our knowledge. It was not observed in approximately 6,500 individuals of European and African American ancestry in the NHLBI Exome Sequencing Project, indicating it is not a common benign variant in these populations. This variant is a conservative substitution of one uncharged, non-polar amino acid for another at a position that is conserved across species. In silico analysis is inconsistent with regard to the effect this variant may have on the protein structure/function. Therefore, based on the currently available information, it is unclear whether Val287Ile is a disease-causing mutation or a rare benign variant. The variant is found in CHILD-EPI panel(s).